The following is an entry in ClinVar:

ClinVar aggregate classification (germline): Benign (1 of 4 stars; one submission).

Conditions:
Familial intrahepatic cholestasis. Identifiers: Orphanet 284385, MedGen CN296401, MONDO:0017290.

gnomAD v4.1: 490 of 1,476,134 alleles (0.033%); highest among the groups gnomAD compares: East Asian, 1%; 4 homozygotes.

Submission:

Genomenon, Inc
Classification: Benign for Familial intrahepatic cholestasis. Last evaluated: 2026-04-14. Review status: criteria provided, single submitter. Criteria: Genomenon Sequence Variant Interpretation Standards - Updated. Collection method: curation. Allele origin: germline. Affected: no.
Comment: ABCB11 c.2814+67C>T is an intronic variant located in intron 22. This variant is present at high allele frequency in population databases. In conclusion, we classify ABCB11 c.2814+67C>T as a benign variant.

NM_003742.4(ABCB11):c.2814+67C>T

Genes: ABCB11 (ATP binding cassette subfamily B member 11; minus strand), LOC126806400 (CDK7 strongly-dependent group 2 enhancer GRCh37_chr2:169791870-169793069; plus strand). Cytogenetic location: 2q31.1.
Variant type: single nucleotide variant.
Coding change: c.2814+67C>T on transcript NM_003742.4 (MANE Select); 67 bases into the intron after coding-DNA position 2814, C replaced by T.
Molecular consequence: intron variant.
Genome position (GRCh38, 1-based): chr2:168,936,163, G>A on the plus strand (C>T on the coding strand, the complement: ABCB11 is on the minus strand). VCF-style: chr2-168936163-G-A. GRCh37 (hg19) VCF-style: chr2-169792673-G-A.
Identifiers: ClinVar variation 4846703 (VCV004846703.1).